The following is an entry in ClinVar:

ClinVar aggregate classification (germline): Likely pathogenic (1 of 4 stars; one submission).

Conditions:
Congenital anomalies of kidney and urinary tract syndrome with or without hearing loss, abnormal ears, or developmental delay. Also called: Congenital Anomalies of the Kidney and Urinary Tract syndrome with or without Hearing Loss, Abnormal Ears, or Developmental Delay. Identifiers: Orphanet 656130, MedGen C4539968, MONDO:0060549, OMIM 617641.

Submission:

3billion
Classification: Likely pathogenic for Congenital anomalies of kidney and urinary tract syndrome with or without hearing loss, abnormal ears, or developmental delay. Last evaluated: 2024-01-22. Review status: criteria provided, single submitter. Criteria: ACMG Guidelines, 2015. Collection method: clinical testing. Allele origin: germline. Affected: yes.
Comment: The variant is not observed in the gnomAD v2.1.1 dataset. Predicted Consequence/Location: Canonical splice site: predicted to alter splicing and result in a loss or disruption of normal protein function. Multiple pathogenic loss-of-function variants are reported downstream of the variant. Therefore, this variant is classified as Likely pathogenic according to the recommendation of ACMG/AMP guideline.

NM_002585.4(PBX1):c.266-1G>A

Gene: PBX1 (PBX homeobox 1; plus strand). Cytogenetic location: 1q23.3.
Variant type: single nucleotide variant.
Coding change: c.266-1G>A on transcript NM_002585.4 (MANE Select); the canonical splice acceptor site of the intron before coding-DNA position 266, G replaced by A.
Molecular consequence: splice acceptor variant.
Genome position (GRCh38, 1-based): chr1:164,792,493, G>A. VCF-style: chr1-164792493-G-A. GRCh37 (hg19) VCF-style: chr1-164761730-G-A.
Other names: c.266-1G>A (NM_001353131.2, NM_001204961.2, NM_001204963.2); c.17-1G>A (NM_001353130.1).
Identifiers: ClinVar variation 3775747 (VCV003775747.1).
Genomic context (GRCh38, chr1:164,792,493, plus strand): 5'-GTGTTTTTTATTTTCTTTCTTGGGTTACTATTAACGCTCCCTTCCCTGTCTTTTTCTGTA[G>A]TTTTGAGTATCCGAGGAGCCCAGGAGGAGGAACCCACAGACCCCCAGCTGATGCGGCTGG-3'